The following is an entry in ClinVar:

NM_004369.4(COL6A3):c.4856C>T (p.Thr1619Ile)

Gene: COL6A3 (collagen type VI alpha 3 chain; minus strand). Cytogenetic location: 2q37.3.
Variant type: single nucleotide variant.
Coding change: c.4856C>T on transcript NM_004369.4 (MANE Select); coding-DNA position 4856, C replaced by T.
Protein change: p.Thr1619Ile; replaces threonine 1619 with isoleucine.
Molecular consequence: missense variant.
Genome position (GRCh38, 1-based): chr2:237,368,607, G>A on the plus strand (C>T on the coding strand, the complement: COL6A3 is on the minus strand). VCF-style: chr2-237368607-G-A. GRCh37 (hg19) VCF-style: chr2-238277250-G-A.
Other names: c.3035C>T, p.Thr1012Ile (NM_057166.5); c.4238C>T, p.Thr1413Ile (NM_057167.4); short protein forms T1619I, T1012I, T1413I.
Identifiers: ClinVar variation 4702535 (VCV004702535.1).

ClinVar aggregate classification (germline): Uncertain significance (1 of 4 stars; one submission).

Conditions:
Bethlem myopathy 1A. Also called: MYOPATHY, BENIGN CONGENITAL, WITH CONTRACTURES; Bethlem myopathy 1; Bethlem Muscular Dystrophy. Identifiers: Orphanet 610, MedGen CN029274, MONDO:0024530, OMIM 158810.

gnomAD v4.1: 1 of 1,614,166 alleles (0.000062%); highest among the groups gnomAD compares: Non-Finnish European, 0.000085%; no homozygotes.

Submission:

Labcorp Genetics (formerly Invitae), Labcorp
Classification: Uncertain significance for Bethlem myopathy 1A. Last evaluated: 2025-05-23. Review status: criteria provided, single submitter. Criteria: Invitae Variant Classification Sherloc (09022015). Collection method: clinical testing. Allele origin: germline.
Comment: This sequence change replaces threonine, which is neutral and polar, with isoleucine, which is neutral and non-polar, at codon 1619 of the COL6A3 protein (p.Thr1619Ile). This variant is not present in population databases (gnomAD no frequency). This missense change has been observed in individual(s) with clinical features of COL6A3-related conditions (PMID: 32528171). Invitae Evidence Modeling of protein sequence and biophysical properties (such as structural, functional, and spatial information, amino acid conservation, physicochemical variation, residue mobility, and thermodynamic stability) indicates that this missense variant is not expected to disrupt COL6A3 protein function with a negative predictive value of 95%. In summary, the available evidence is currently insufficient to determine the role of this variant in disease. Therefore, it has been classified as a Variant of Uncertain Significance.

Literature cited by the submitters: PubMed 32528171.